The following is an entry in ClinVar:

NM_000330.4(RS1):c.305G>A (p.Arg102Gln)

Genes: CDKL5 (cyclin dependent kinase like 5; plus strand), RS1 (retinoschisin 1; minus strand). Cytogenetic location: Xp22.13.
Variant type: single nucleotide variant.
Coding change: c.305G>A on transcript NM_000330.4 (MANE Select); coding-DNA position 305, G replaced by A.
Protein change: p.Arg102Gln; replaces arginine 102 with glutamine.
Molecular consequence: missense variant. On other transcripts: intron variant (2).
Genome position (GRCh38, 1-based): chrX:18,647,212, C>T on the plus strand (G>A on the coding strand, the complement: RS1 is on the minus strand). VCF-style: chrX-18647212-C-T. GRCh37 (hg19) VCF-style: chrX-18665332-C-T.
Other names: NM_000330.4(RS1):c.305G>A; c.2797+1122C>T (NM_003159.3, NM_001037343.2); short protein forms R102Q.
Identifiers: ClinVar variation 9896 (VCV000009896.57), dbSNP rs61752068, ClinGen allele CA226669.
Genomic context (GRCh38, chrX:18,647,212, plus strand): 5'-TTAAAAGCACATGAAAAAAAATCCCCGGGCCCTGCTTACCCAAAGCCTTGACTGTTGAGC[C>T]GGGCCTTGTTTGCAGTCCACGAAGAATACCAGCCCACATACTGCTCCGGGTTAGAGCAGG-3'
Protein context (NP_000321.1, residues 92-112): WYSSWTANKA[Arg102Gln]LNSQGFGCAW

ClinVar aggregate classification (germline): Pathogenic. Review status: reviewed by expert panel (3 of 4 stars). 15 submissions from 15 submitters: Pathogenic (1). 14 of the submissions do not count toward it. Last evaluated 2025-09-19.

Conditions:
RS1-related disorder. Also called: RS1-related condition.
Retinal dystrophy. Also called: Inherited retinal dystrophy. Identifiers: Orphanet 71862, MedGen C0854723, MeSH D058499, MONDO:0019118, HP:0000556.
Juvenile retinoschisis (RS1). Also called: X-Linked Juvenile Retinoschisis; X-linked retinoschisis. Identifiers: Orphanet 792, MedGen C3714753, MONDO:0010725, OMIM 312700.
Retinal disorder. Also called: Retinopathies; Retinal Diseases; Retinal disorders; Retinopathy. Identifiers: MedGen C0035309, MONDO:0005283, HP:0000488.

Allele frequency attached by ClinVar (database versions not stated): gnomAD exomes 0.00001; gnomAD 0.00001; TOPMed 0.00001.
gnomAD v4.1: 10 of 1,208,809 alleles (0.00083%); highest among the groups gnomAD compares: Non-Finnish European, 0.0011%; no homozygotes.

Submissions 1 to 10 of 15:

ClinGen X-linked Inherited Retinal Disease Variant Curation Expert Panel, ClinGen
Classification: Pathogenic for Juvenile retinoschisis. Last evaluated: 2025-09-19. Review status: reviewed by expert panel. Criteria: ClinGen X LinkedIRD ACMG Specifications RS1 V1.0.0. Collection method: curation. Allele origin: germline. Inheritance: X-linked inheritance.
Comment: NM_000330.4(RS1):c.305G>A (p.Arg102Gln) is a missense variant encoding the substitution of arginine with glutamine at amino acid 102. This variant is present in gnomAD v.4.1.0 at a frequency of 0.00001261 among hemizygous individuals, with 5 variant alleles / 396,397 total hemizygous alleles, which is between the ClinGen X-linked IRD VCEP PM2_Supporting threshold of <0.000002 and BS1 threshold of >0.00002 and fails to meet these criteria. This variant has been reported in at least 6 apparently unrelated probands meeting the PS4 requirement of a male diagnosed with X-linked retinoschisis (PMID: 10589241, PMID: 12928282, PMID: 15937075, PMID: 17615541, PMID: 37317958, PS4). The variant has been reported to segregate with retinal dystrophy through >3 meioses in two families (PP1_Strong; PMID: 12928282, PMID: 15937075). HeLa cells exogenously expressing the variant exhibit loss of RS1 secretion into the medium relative to the wild-type control (PMID: 37317958, PS3_Supporting). The computational predictor REVEL gives a score of 0.983, which is above the ClinGen X-linked IRD VCEP threshold of >0.932 and predicts a damaging effect on RS1 function (PP3_Strong). The computational splicing predictor SpliceAI gives a delta score of 0.00 for all predictive splice changes, which is below the ClinGen X-linked IRD VCEP threshold of >0.2 and does not predict that the variant disrupts RS1 splicing. In summary, this variant is classified as pathogenic for X-linked retinoschisis based on the ClinGen X-linked Inherited Retinal Disease Expert Panel Specifications to the ACMG/AMP Variant Interpretation Guidelines for RS1 Version 1.0.0: PS4, PP1_Strong, PP3_Strong, and PS3_Supporting.

PreventionGenetics, part of Exact Sciences
Classification: Pathogenic for RS1-related condition. Last evaluated: 2026-08-01. Review status: criteria provided, single submitter. Criteria: ACMG Guidelines, 2015. Collection method: clinical testing. Allele origin: germline. Not counted in ClinVar's aggregate classification.
Comment: The RS1 c.305G>A variant is predicted to result in the amino acid substitution p.Arg102Gln. This variant has been reported in individuals with X-linked juvenile retinoschisis and has been reported to segregate with disease in family members (see, for example: RSC et al. 1998. PubMed ID: 9618178; Simonelli et al. 2003. PubMed ID: 12928282; Kondo et al. 2019. PubMed ID: 30652005). In vitro experimental studies indicate this variant leads to loss of RS1 secretion (Chatterjee et al. 2023. PubMed ID: 37317958). This variant is reported in 0.0012% of alleles in individuals of European (non-Finnish) descent in gnomAD. In ClinVar, it has been classified as pathogenic by the ClinGen X-linked Inherited Retinal Disease Variant Curation Expert Panel (Variation ID: 9896). A different substitution of this amino acid residue (p.Arg102Trp) has also been reported in individuals with retinoschisis (Kondo et al. 2019. PubMed ID: 30652005). This variant is interpreted as pathogenic.

Labcorp Genetics (formerly Invitae), Labcorp
Classification: Pathogenic. Last evaluated: 2025-10-14. Review status: criteria provided, single submitter. Criteria: Invitae Variant Classification Sherloc (09022015). Collection method: clinical testing. Allele origin: germline. Not counted in ClinVar's aggregate classification.
Comment: This sequence change replaces arginine, which is basic and polar, with glutamine, which is neutral and polar, at codon 102 of the RS1 protein (p.Arg102Gln). This variant is not present in population databases (gnomAD no frequency). This missense change has been observed in individuals with X-linked retinoschisis (PMID: 9618178, 17615541, 30652005). ClinVar contains an entry for this variant (Variation ID: 9896). Invitae Evidence Modeling of protein sequence and biophysical properties (such as structural, functional, and spatial information, amino acid conservation, physicochemical variation, residue mobility, and thermodynamic stability) indicates that this missense variant is expected to disrupt RS1 protein function with a positive predictive value of 95%. This variant disrupts the p.Arg102 amino acid residue in RS1. Other variant(s) that disrupt this residue have been determined to be pathogenic (PMID: 9618178, 24634885, 30652005). This suggests that this residue is clinically significant, and that variants that disrupt this residue are likely to be disease-causing. For these reasons, this variant has been classified as Pathogenic.

Genetics Laboratory, Great Ormond Street Hospital NHS Foundation Trust, North Thames Genomic Laboratory Hub
Classification: Likely pathogenic for Retinal disorders. Last evaluated: 2025-08-20. Review status: criteria provided, single submitter. Criteria: ACGS Best Practice Guidelines for Variant Classification in Rare Disease 2024 v1.2. Collection method: clinical testing. Allele origin: germline. Affected: yes. Not counted in ClinVar's aggregate classification.
Comment: PS4_moderate, PM2_moderate, PP3_supporting, PM5_moderate, PM1_supporting

Natera, Inc.
Classification: Pathogenic for X-linked retinoschisis. Last evaluated: 2024-09-23. Review status: criteria provided, single submitter. Criteria: Natera Variant Classification Schema (03/2026). Collection method: clinical testing. Allele origin: germline. Not counted in ClinVar's aggregate classification.
Comment: The c.305G>A variant in RS1 is a missense variant predicted to cause substitution of arginine to glutamine at amino acid 102. This variant is rare in the general population with a frequency below the threshold expected for the associated phenotype(s). This variant has been observed in affected individual(s) with monoallelic occurrence (heterozygous/hemizygous) (PMID: 34645606, 17615541, 19390641). Additionally, this variant has been observed to segregate in affected family members (PMID: 12928282). A different variant at the same position has been determined to be Pathogenic or Likely Pathogenic. Computational prediction algorithms indicate this variant is likely to affect gene or protein function. Given the available evidence, this variant is classified as Pathogenic.

Blueprint Genetics
Classification: Pathogenic for RS1-related disorders. Last evaluated: 2024-05-30. Review status: criteria provided, single submitter. Criteria: ACMG Guidelines, 2015. Collection method: clinical testing. Allele origin: germline. Affected: yes. Observed: 5 variant alleles. Not counted in ClinVar's aggregate classification.

Fulgent Genetics
Classification: Pathogenic for Juvenile retinoschisis. Last evaluated: 2024-05-22. Review status: criteria provided, single submitter. Criteria: ACMG Guidelines, 2015. Collection method: clinical testing. Allele origin: germline. Not counted in ClinVar's aggregate classification.

Baylor Genetics
Classification: Pathogenic for Juvenile retinoschisis. Last evaluated: 2023-04-06. Review status: criteria provided, single submitter. Criteria: ACMG Guidelines, 2015. Collection method: clinical testing. Allele origin: unknown. Not counted in ClinVar's aggregate classification.

GeneDx
Classification: Pathogenic. Last evaluated: 2023-04-04. Review status: criteria provided, single submitter. Criteria: GeneDx Variant Classification Process June 2021. Collection method: clinical testing. Allele origin: germline. Affected: yes. Not counted in ClinVar's aggregate classification.
Comment: In silico analysis, which includes protein predictors and evolutionary conservation, supports a deleterious effect; Molecular modeling of the R102 position predicts a severe change which could affect the protein fold and thus is likely damaging to the protein structure/function (Sergeev et al., 2010); Not observed at significant frequency in large population cohorts (gnomAD); This variant is associated with the following publications: (PMID: 9618178, 26894784, 28272453, 28348004, 34624300, 32531858, 35456481, 34828422, 17304551, 30652005, 31006083, 32783370, 34822951, 35309139, 34798543, 20061330)

CeGaT Center for Human Genetics Tuebingen
Classification: Pathogenic. Last evaluated: 2022-06-01. Review status: criteria provided, single submitter. Criteria: CeGaT Center For Human Genetics Tuebingen Variant Classification Criteria Version 2. Collection method: clinical testing. Allele origin: germline. Affected: yes. Observed: 3 variant alleles. Not counted in ClinVar's aggregate classification.
Comment: RS1: PM2, PM5, PM6, PS4:Moderate, PP1, PP4, PS3:Supporting